The following is an entry in ClinVar:

NC_000015.9:g.(?_68503591)_(68506736_?)del

Gene: CLN6 (CLN6 transmembrane ER protein; minus strand). Cytogenetic location: 15q23.
Variant type: Deletion.
Identifiers: ClinVar variation 3243742 (VCV003243742.1).

ClinVar aggregate classification (germline): Pathogenic (1 of 4 stars; one submission).

Conditions:
Neuronal ceroid lipofuscinosis. Also called: Neuronal Ceroid Lipofuscinoses. Identifiers: Orphanet 216, Orphanet 79263, MedGen C0027877, MONDO:0016295. Disease mechanism: loss of function.

Submission:

Labcorp Genetics (formerly Invitae), Labcorp
Classification: Pathogenic for Neuronal ceroid lipofuscinosis. Last evaluated: 2022-12-07. Review status: criteria provided, single submitter. Criteria: Invitae Variant Classification Sherloc (09022015). Collection method: clinical testing. Allele origin: unknown.
Comment: For these reasons, this variant has been classified as Pathogenic. This variant has not been reported in the literature in individuals affected with CLN6-related conditions. This variant is a gross deletion of the genomic region encompassing exon(s) 3-5 of the CLN6 gene. This deletion is out-of-frame, and is expected to create a premature termination codon and result in an absent or disrupted protein product. Loss-of-function variants in CLN6 are known to be pathogenic (PMID: 19135028).

Literature cited by the submitters: PubMed 19135028.